The following is an entry in ClinVar:

NM_000552.5(VWF):c.6340T>C (p.Trp2114Arg)

Gene: VWF (von Willebrand factor; minus strand). Cytogenetic location: 12p13.31.
Variant type: single nucleotide variant.
Coding change: c.6340T>C on transcript NM_000552.5 (MANE Select); coding-DNA position 6340, T replaced by C.
Protein change: p.Trp2114Arg; replaces tryptophan 2114 with arginine.
Molecular consequence: missense variant.
Genome position (GRCh38, 1-based): chr12:5,994,120, A>G on the plus strand (T>C on the coding strand, the complement: VWF is on the minus strand). VCF-style: chr12-5994120-A-G. GRCh37 (hg19) VCF-style: chr12-6103286-A-G.
Other names: short protein forms W2114R.
Identifiers: ClinVar variation 4978655 (VCV004978655.1).

ClinVar aggregate classification (germline): Uncertain significance (1 of 4 stars; one submission).

Conditions:
VWF-related disorder. Also called: VWF-related disorders; VWF-related condition.

Submission:

PreventionGenetics, part of Exact Sciences
Classification: Uncertain significance for VWF-related condition. Last evaluated: 2025-03-20. Review status: criteria provided, single submitter. Criteria: ACMG Guidelines, 2015. Collection method: clinical testing. Allele origin: germline.
Comment: The VWF c.6340T>C variant is predicted to result in the amino acid substitution p.Trp2114Arg. To our knowledge, this variant has not been reported in the literature or in a large population database (gnomAD), indicating this variant is rare. At this time, the clinical significance of this variant is uncertain due to the absence of conclusive functional and genetic evidence.